The following is an entry in ClinVar:

ClinVar aggregate classification (germline): Uncertain significance (1 of 4 stars; one submission).

Allele frequency attached by ClinVar (database versions not stated): gnomAD 0.00001 and 0.00003; TOPMed 0.00002; gnomAD exomes 0.00003 and 0.00004; ExAC 0.00005; 1000 Genomes Project 0.00060; 1000 Genomes Project 30x 0.00062.
gnomAD v4.1: 49 of 1,613,804 alleles (0.003%); highest among the groups gnomAD compares: South Asian, 0.013%; 1 homozygote.

Submission:

Labcorp Genetics (formerly Invitae), Labcorp
Classification: Uncertain significance. Last evaluated: 2022-10-24. Review status: criteria provided, single submitter. Criteria: Invitae Variant Classification Sherloc (09022015). Collection method: clinical testing. Allele origin: germline.
Comment: This sequence change replaces aspartic acid, which is acidic and polar, with asparagine, which is neutral and polar, at codon 786 of the DUOX2 protein (p.Asp786Asn). This variant is present in population databases (rs372159746, gnomAD 0.01%). This missense change has been observed in individual(s) with intellectual disability (PMID: 28397838). ClinVar contains an entry for this variant (Variation ID: 1509158). Advanced modeling of protein sequence and biophysical properties (such as structural, functional, and spatial information, amino acid conservation, physicochemical variation, residue mobility, and thermodynamic stability) performed at Invitae indicates that this missense variant is not expected to disrupt DUOX2 protein function. In summary, the available evidence is currently insufficient to determine the role of this variant in disease. Therefore, it has been classified as a Variant of Uncertain Significance.

Literature cited by the submitters: PubMed 28397838.

NM_001363711.2(DUOX2):c.2356G>A (p.Asp786Asn)

Gene: DUOX2 (dual oxidase 2; minus strand). Cytogenetic location: 15q21.1.
Variant type: single nucleotide variant.
Coding change: c.2356G>A on transcript NM_001363711.2 (MANE Select); coding-DNA position 2356, G replaced by A.
Protein change: p.Asp786Asn; replaces aspartic acid 786 with asparagine.
Molecular consequence: missense variant.
Genome position (GRCh38, 1-based): chr15:45,104,344, C>T on the plus strand (G>A on the coding strand, the complement: DUOX2 is on the minus strand). VCF-style: chr15-45104344-C-T. GRCh37 (hg19) VCF-style: chr15-45396542-C-T.
Other names: c.2356G>A, p.Asp786Asn (NM_014080.5); short protein forms D786N.
Identifiers: ClinVar variation 1509158 (VCV001509158.5), dbSNP rs372159746, ClinGen allele CA7538271.